The following is an entry in ClinVar:

NM_004100.5(EYA4):c.646C>T (p.Gln216Ter)

Gene: EYA4 (EYA transcriptional coactivator and phosphatase 4; plus strand). Cytogenetic location: 6q23.2.
Variant type: single nucleotide variant.
Coding change: c.646C>T on transcript NM_004100.5 (MANE Select); coding-DNA position 646, C replaced by T.
Protein change: p.Gln216Ter; replaces glutamine 216 with a stop codon.
Molecular consequence: nonsense.
Genome position (GRCh38, 1-based): chr6:133,462,686, C>T. VCF-style: chr6-133462686-C-T. GRCh37 (hg19) VCF-style: chr6-133783824-C-T.
Other names: c.484C>T, p.Gln162Ter (NM_001301012.2, NM_001370459.1); c.646C>T, p.Gln216Ter (NM_001301013.2, NM_172105.4); c.577C>T, p.Gln193Ter (NM_001370458.1, NM_172103.4); short protein forms Q216*, Q193*, Q162*.
Identifiers: ClinVar variation 3657058 (VCV003657058.2).

ClinVar aggregate classification (germline): Pathogenic (1 of 4 stars; one submission).

Conditions:
Dilated cardiomyopathy 1J (CMD1J). Also called: CARDIOMYOPATHY, DILATED, WITH SENSORINEURAL HEARING LOSS, AUTOSOMAL DOMINANT. Identifiers: Orphanet 217622, MedGen C1854368, MONDO:0011541, OMIM 605362.

Submission:

Labcorp Genetics (formerly Invitae), Labcorp
Classification: Pathogenic for Dilated cardiomyopathy 1J. Last evaluated: 2024-06-19. Review status: criteria provided, single submitter. Criteria: Invitae Variant Classification Sherloc (09022015). Collection method: clinical testing. Allele origin: germline.
Comment: This sequence change creates a premature translational stop signal (p.Gln216*) in the EYA4 gene. It is expected to result in an absent or disrupted protein product. Loss-of-function variants in EYA4 are known to be pathogenic (PMID: 11159937, 25781927, 25963406). This variant is not present in population databases (gnomAD no frequency). This variant has not been reported in the literature in individuals affected with EYA4-related conditions. For these reasons, this variant has been classified as Pathogenic.

Literature cited by the submitters: PubMed 11159937; PubMed 25781927; PubMed 25963406.